The following is an entry in ClinVar:

NM_007294.4(BRCA1):c.516del (p.Gln172fs)

Gene: BRCA1 (BRCA1 DNA repair associated; minus strand). Cytogenetic location: 17q21.31.
Variant type: Deletion.
Coding change: c.516del on transcript NM_007294.4 (MANE Select); coding-DNA position 516, one base deleted (A; older notation c.516delA).
Protein change: p.Gln172fs; shifts the reading frame from glutamine 172.
Molecular consequence: frameshift variant. On other transcripts: non-coding transcript variant (1).
Genome position (GRCh38, 1-based): chr17:43,099,806, T deleted on the plus strand (A on the coding strand, the reverse complement: BRCA1 is on the minus strand); the first of 2 consecutive T bases (chr17:43,099,806-43,099,807); deleting either gives the same sequence. VCF-style (leftmost placement, unchanged base first): chr17-43099805-GT-G. GRCh37 (hg19) VCF-style: chr17-41251822-GT-G.
Other names: c.516delA (NM_007294.3); c.302delA, p.Gln101Hisfs (NM_001407571.1, NM_001407853.1, NM_001407894.1 and 18 more transcripts); c.515delA, p.Gln172Hisfs (NM_001407581.1, NM_001407582.1, NM_001407583.1 and 95 more transcripts); c.512delA, p.Gln171Hisfs (NM_001407587.1, NM_001407590.1, NM_001407591.1 and 65 more transcripts); c.506delA, p.Gln169Hisfs (NM_001407646.1, NM_001407647.1, NM_001408408.1); c.437delA, p.Gln146Hisfs (NM_001407653.1, NM_001407654.1, NM_001407655.1 and 12 more transcripts); c.434delA, p.Gln145Hisfs (NM_001407659.1, NM_001407660.1, NM_001407661.1 and 6 more transcripts); c.374delA, p.Gln125Hisfs (NM_001407692.1, NM_001407694.1, NM_001407695.1 and 60 more transcripts); and 7 more; short protein forms Q125fs, Q172fs.
Identifiers: ClinVar variation 246360 (VCV000246360.4), dbSNP rs879254223, ClinGen allele CA10584574.

ClinVar aggregate classification (germline): Pathogenic. Review status: reviewed by expert panel (3 of 4 stars). 4 submissions from 4 submitters: Pathogenic (1). 3 of the submissions do not count toward it. Last evaluated 2017-12-15.

Conditions:
Hereditary breast ovarian cancer syndrome. Also called: Hereditary breast and ovarian cancer syndrome (HBOC); Breast and ovarian cancer; Hereditary breast and ovarian cancer syndrome; Hereditary breast and ovarian cancer; BRCA1- and BRCA2-Associated Hereditary Breast and Ovarian Cancer; Hereditary breast and/or ovarian cancer syndrome. Identifiers: Orphanet 145, MedGen C0677776, MeSH D061325, MONDO:0003582. Disease mechanism: loss of function.
Breast-ovarian cancer, familial, susceptibility to, 1 (BROVCA1). Also called: BRCA1 Hereditary Breast and Ovarian Cancer; OVARIAN CANCER, SUSCEPTIBILITY TO. Identifiers: Orphanet 145, MedGen C2676676, MONDO:0011450, OMIM 604370. Disease mechanism: loss of function.

Submissions (4):

Evidence-based Network for the Interpretation of Germline Mutant Alleles (ENIGMA)
Classification: Pathogenic for Breast-ovarian cancer, familial, susceptibility to, 1. Last evaluated: 2017-12-15. Review status: reviewed by expert panel. Criteria: ENIGMA BRCA1/2 Classification Criteria (2017-06-29). Collection method: curation. Allele origin: germline. Study: ENIGMA.
Comment: Variant allele predicted to encode a truncated non-functional protein.

GeneDx
Classification: Pathogenic. Last evaluated: 2016-01-26. Review status: criteria provided, single submitter. Criteria: GeneDx Variant Classification (06012015). Collection method: clinical testing. Allele origin: germline. Affected: yes. Not counted in ClinVar's aggregate classification.
Comment: This deletion of one nucleotide in BRCA1 is denoted c.516delA at the cDNA level and p.Gln172HisfsX62 (Q172HfsX62) at the protein level. The normal sequence, with the base that is deleted in braces, is TACA[A]CCTC. The deletion causes a frameshift, which changes a Glutamine to a Histidine at codon 172, and creates a premature stop codon at position 62 of the new reading frame. Although this variant has not, to our knowledge, been reported in the literature, it is predicted to cause loss of normal protein function through either protein truncation or nonsense-mediated mRNA decay. We consider this variant to be pathogenic.

Research Molecular Genetics Laboratory, Women's College Hospital, University of Toronto
Classification: Pathogenic for Hereditary breast ovarian cancer syndrome. Last evaluated: 2014-01-31. Review status: no assertion criteria provided. Collection method: research. Allele origin: germline. Affected: yes. Study: The Canadian Open Genetics Repository (COGR). Not counted in ClinVar's aggregate classification.

Department of Pathology and Laboratory Medicine, Sinai Health System
Classification: Pathogenic for Breast-ovarian cancer, familial, susceptibility to, 1. Review status: no assertion criteria provided. Collection method: clinical testing. Allele origin: unknown. Affected: yes. Study: The Canadian Open Genetics Repository (COGR). Not counted in ClinVar's aggregate classification.
Comment: The p.Gln172HisfsX62 variant has not been previously identified in the literature. It is predicted to cause a frameshift, which alters the protein's amino acid sequence beginning at codon 172 and leads to a premature stop codon 62 codons downstream. This alteration is predicted to lead to a truncated or absent protein product and loss of function. Loss of function of the BRCA1 gene is an established disease mechanism in familial breast and ovarian cancer patients. In summary, based on the above information, this variant is classified as pathogenic.